The following is an entry in ClinVar:

ClinVar aggregate classification (germline): Conflicting classifications of pathogenicity. Review status: criteria provided, conflicting classifications (1 of 4 stars). 6 submissions from 6 submitters: Uncertain significance (1); Likely benign (5). Last evaluated 2025-07-09.

Conditions:
Osteogenesis imperfecta type I (OI1). Also called: OI, TYPE I; OSTEOGENESIS IMPERFECTA TARDA; OSTEOGENESIS IMPERFECTA WITH BLUE SCLERAE; Classic Non-deforming Osteogenesis Imperfecta with Blue Sclerae; Osteogenesis imperfecta type 1; Lobstein disease. Identifiers: Orphanet 216796, Orphanet 666, MedGen C0023931, MONDO:0008146, OMIM 166200. Disease mechanism: loss of function.
Ehlers-Danlos syndrome, classic type, 1 (EDSCL1). Also called: Ehlers-Danlos Syndrome, Classic Type, COL5A1-Related; EHLERS-DANLOS SYNDROME, GRAVIS TYPE; EHLERS-DANLOS SYNDROME, SEVERE CLASSIC TYPE; EDS I; Ehlers-Danlos syndrome, type 1. Identifiers: MedGen C0268335, MONDO:0019567, OMIM 130000.
Cardiovascular phenotype. Identifiers: MedGen CN230736.
Ehlers-Danlos syndrome (EDS). Identifiers: Orphanet 98249, MedGen C0013720, MONDO:0020066.

Allele frequency attached by ClinVar (database versions not stated): ExAC 0.00001; gnomAD exomes 0.00002 and 0.00008; TOPMed 0.00003; gnomAD 0.00005 and 0.00006.
gnomAD v4.1: 133 of 1,614,088 alleles (0.0082%); highest among the groups gnomAD compares: Non-Finnish European, 0.01%; no homozygotes.

Submissions (6):

Mayo Clinic Laboratories, Mayo Clinic
Classification: Likely benign. Last evaluated: 2025-07-09. Review status: criteria provided, single submitter. Criteria: ACMG Guidelines, 2015. Collection method: clinical testing. Allele origin: germline. Observed: 1 variant allele.
Comment: BP4, BP7

Labcorp Genetics (formerly Invitae), Labcorp
Classification: Likely benign for Osteogenesis imperfecta type I; Ehlers-Danlos syndrome, classic type, 1. Last evaluated: 2025-02-15. Review status: criteria provided, single submitter. Criteria: Invitae Variant Classification Sherloc (09022015). Collection method: clinical testing. Allele origin: germline.

Ambry Genetics
Classification: Likely benign for Cardiovascular phenotype. Last evaluated: 2023-02-16. Review status: criteria provided, single submitter. Criteria: Ambry Variant Classification Scheme 2023. Collection method: clinical testing. Allele origin: germline.

Genome Diagnostics Laboratory, The Hospital for Sick Children
Classification: Uncertain significance for Ehlers-Danlos syndrome. Last evaluated: 2022-06-27. Review status: criteria provided, single submitter. Criteria: ACMG Guidelines, 2015. Collection method: clinical testing. Allele origin: germline.

Blueprint Genetics
Classification: Likely benign. Last evaluated: 2022-06-09. Review status: criteria provided, single submitter. Criteria: ACMG Guidelines, 2015. Collection method: clinical testing. Allele origin: germline.

GeneDx
Classification: Likely benign. Last evaluated: 2019-03-07. Review status: criteria provided, single submitter. Criteria: GeneDx Variant Classification Process June 2021. Collection method: clinical testing. Allele origin: germline. Affected: yes.

NM_000089.4(COL1A2):c.1566A>G (p.Pro522=)

Gene: COL1A2 (collagen type I alpha 2 chain; plus strand). Cytogenetic location: 7q21.3.
Variant type: single nucleotide variant.
Coding change: c.1566A>G on transcript NM_000089.4 (MANE Select); coding-DNA position 1566, A replaced by G.
Protein change: p.Pro522=; no amino-acid change (proline 522 retained).
Molecular consequence: synonymous variant.
Genome position (GRCh38, 1-based): chr7:94,413,698, A>G. VCF-style: chr7-94413698-A-G. GRCh37 (hg19) VCF-style: chr7-94043010-A-G.
Other names: p.Pro522=.
Identifiers: ClinVar variation 772932 (VCV000772932.17), dbSNP rs749869789, ClinGen allele CA4347122.
Genomic context (GRCh38, chr7:94,413,698, plus strand): 5'-TAAACTACCTGGCTTGCAGCTAACCATCAGCCTTTCTGTTAAATATTTTTAGGGTGCTCC[A>G]GGTCCTGATGGAAACAATGGTGCTCAGGGACCTCCTGGACCACAGGTGAGTATTTCTCCC-3'
Protein context (NP_000080.2, residues 512-532): HAGLAGARGA[Pro522=]GPDGNNGAQG